The following is an entry in ClinVar:

ClinVar aggregate classification (germline): Pathogenic (1 of 4 stars; one submission).

Conditions:
Alstrom syndrome (ALMS). Identifiers: Orphanet 64, MedGen C0268425, MONDO:0008763, OMIM 203800.

Submission:

Labcorp Genetics (formerly Invitae), Labcorp
Classification: Pathogenic for Alstrom syndrome. Last evaluated: 2021-12-29. Review status: criteria provided, single submitter. Criteria: Invitae Variant Classification Sherloc (09022015). Collection method: clinical testing. Allele origin: germline.
Comment: For these reasons, this variant has been classified as Pathogenic. This sequence change creates a premature translational stop signal (p.Ser962Leufs*19) in the ALMS1 gene. It is expected to result in an absent or disrupted protein product. Loss-of-function variants in ALMS1 are known to be pathogenic (PMID: 17594715). This variant is not present in population databases (gnomAD no frequency). This variant has not been reported in the literature in individuals affected with ALMS1-related conditions.

Literature cited by the submitters: PubMed 17594715.

NM_001378454.1(ALMS1):c.2882del (p.Ser961fs)

Gene: ALMS1 (ALMS1 centrosome and basal body associated protein; plus strand). Cytogenetic location: 2p13.1.
Variant type: Deletion.
Coding change: c.2882del on transcript NM_001378454.1 (MANE Select); coding-DNA position 2882, one base deleted (C; older notation c.2882delC).
Protein change: p.Ser961fs; shifts the reading frame from serine 961.
Molecular consequence: frameshift variant.
Genome position (GRCh38, 1-based): chr2:73,449,409, C deleted. VCF-style (leftmost placement, unchanged base first): chr2-73449408-TC-T. GRCh37 (hg19) VCF-style: chr2-73676535-TC-T.
Other names: c.2885del, p.Ser962fs (NM_015120.4); short protein forms S962fs, S961fs.
Identifiers: ClinVar variation 1448832 (VCV001448832.6), dbSNP rs2103776873, ClinGen allele CA2573135754.